The following is an entry in ClinVar:

ClinVar aggregate classification (germline): Uncertain significance (1 of 4 stars; one submission).

Conditions:
Familial episodic pain syndrome with predominantly lower limb involvement. Also called: Episodic pain syndrome, familial, 3. Identifiers: Orphanet 391384, Orphanet 391392, MedGen C3809899, MONDO:0014247, OMIM 615552.
Hereditary sensory and autonomic neuropathy type 7. Also called: HSAN VII; Neuropathy, hereditary sensory and autonomic, type VII. Identifiers: Orphanet 391397, MedGen C3809882, MONDO:0014244, OMIM 615548.

Submission:

Labcorp Genetics (formerly Invitae), Labcorp
Classification: Uncertain significance for Familial episodic pain syndrome with predominantly lower limb involvement; Hereditary sensory and autonomic neuropathy type 7. Last evaluated: 2019-08-15. Review status: criteria provided, single submitter. Criteria: Invitae Variant Classification Sherloc (09022015). Collection method: clinical testing. Allele origin: germline.
Comment: This variant has not been reported in the literature in individuals with SCN11A-related conditions. In summary, the available evidence is currently insufficient to determine the role of this variant in disease. Therefore, it has been classified as a Variant of Uncertain Significance. Algorithms developed to predict the effect of missense changes on protein structure and function are either unavailable or do not agree on the potential impact of this missense change (SIFT: "Tolerated"; PolyPhen-2: "Possibly Damaging"; Align-GVGD: "Class C0"). This variant is not present in population databases (ExAC no frequency). This sequence change replaces phenylalanine with tyrosine at codon 134 of the SCN11A protein (p.Phe134Tyr). The phenylalanine residue is highly conserved and there is a small physicochemical difference between phenylalanine and tyrosine.

NM_001349253.2(SCN11A):c.401T>A (p.Phe134Tyr)

Gene: SCN11A (sodium voltage-gated channel alpha subunit 11; minus strand). Cytogenetic location: 3p22.2.
Variant type: single nucleotide variant.
Coding change: c.401T>A on transcript NM_001349253.2 (MANE Select); coding-DNA position 401, T replaced by A.
Protein change: p.Phe134Tyr; replaces phenylalanine 134 with tyrosine.
Molecular consequence: missense variant.
Genome position (GRCh38, 1-based): chr3:38,945,498, A>T on the plus strand (T>A on the coding strand, the complement: SCN11A is on the minus strand). VCF-style: chr3-38945498-A-T. GRCh37 (hg19) VCF-style: chr3-38986989-A-T.
Other names: c.401T>A, p.Phe134Tyr (NM_014139.3); short protein forms F134Y.
Identifiers: ClinVar variation 954529 (VCV000954529.6), dbSNP rs2066503304, ClinGen allele CA352175427.